The following is an entry in ClinVar:

NM_001110556.2(FLNA):c.2378C>G (p.Thr793Ser)

Gene: FLNA (filamin A; minus strand). Cytogenetic location: Xq28.
Variant type: single nucleotide variant.
Coding change: c.2378C>G on transcript NM_001110556.2 (MANE Select); coding-DNA position 2378, C replaced by G.
Protein change: p.Thr793Ser; replaces threonine 793 with serine.
Molecular consequence: missense variant.
Genome position (GRCh38, 1-based): chrX:154,362,687, G>C on the plus strand (C>G on the coding strand, the complement: FLNA is on the minus strand). VCF-style: chrX-154362687-G-C. GRCh37 (hg19) VCF-style: chrX-153591055-G-C.
Other names: c.2378C>G, p.Thr793Ser (NM_001456.4); short protein forms T793S.
Identifiers: ClinVar variation 3754006 (VCV003754006.2).

ClinVar aggregate classification (germline): Uncertain significance (1 of 4 stars; one submission).

Conditions:
Melnick-Needles syndrome (MNS). Also called: MELNICK-NEEDLES OSTEODYSPLASTY; OSTEODYSPLASTY OF MELNICK AND NEEDLES; Melnick-Needles Syndrome (FLNA-MNS). Identifiers: Orphanet 2484, MedGen C0025237, MONDO:0010650, OMIM 309350.
Frontometaphyseal dysplasia (FMD1). Identifiers: Orphanet 1826, MedGen C0265293, MONDO:0015942.
Heterotopia, periventricular, X-linked dominant (PVNH1). Also called: PERIVENTRICULAR NODULAR HETEROTOPIA 1; X-linked periventricular heterotopia; PERIVENTRICULAR NODULAR HETEROTOPIA 4; HETEROTOPIA, PERIVENTRICULAR, 1. Identifiers: Orphanet 2149, Orphanet 82004, MedGen C1848213, MONDO:0010233, OMIM 300049.
Oto-palato-digital syndrome, type II (OPD2). Also called: FACIOPALATOOSSEOUS SYNDROME; OPD II SYNDROME; Otopalatodigital Syndrome, Type II; Otopalatodigital Syndrome Type 2 (FLNA-OPD2). Identifiers: Orphanet 669, Orphanet 90652, MedGen C1844696, MONDO:0010571, OMIM 304120.

Submission:

Labcorp Genetics (formerly Invitae), Labcorp
Classification: Uncertain significance for Oto-palato-digital syndrome, type II; Heterotopia, periventricular, X-linked dominant; Frontometaphyseal dysplasia; Melnick-Needles syndrome. Last evaluated: 2024-10-12. Review status: criteria provided, single submitter. Criteria: Invitae Variant Classification Sherloc (09022015). Collection method: clinical testing. Allele origin: germline.
Comment: This sequence change replaces threonine, which is neutral and polar, with serine, which is neutral and polar, at codon 793 of the FLNA protein (p.Thr793Ser). This variant is not present in population databases (gnomAD no frequency). This variant has not been reported in the literature in individuals affected with FLNA-related conditions. Invitae Evidence Modeling of protein sequence and biophysical properties (such as structural, functional, and spatial information, amino acid conservation, physicochemical variation, residue mobility, and thermodynamic stability) indicates that this missense variant is not expected to disrupt FLNA protein function with a negative predictive value of 95%. In summary, the available evidence is currently insufficient to determine the role of this variant in disease. Therefore, it has been classified as a Variant of Uncertain Significance.